The following is an entry in ClinVar:

NM_001018115.3(FANCD2):c.2019A>T (p.Glu673Asp)

Genes: FANCD2 (FA complementation group D2; plus strand), LOC107303338 (3p25 FANCD2 Alu-mediated recombination region; plus strand). Cytogenetic location: 3p25.3.
Variant type: single nucleotide variant.
Coding change: c.2019A>T on transcript NM_001018115.3 (MANE Select); coding-DNA position 2019, A replaced by T.
Protein change: p.Glu673Asp; replaces glutamic acid 673 with aspartic acid.
Molecular consequence: missense variant.
Genome position (GRCh38, 1-based): chr3:10,064,427, A>T. VCF-style: chr3-10064427-A-T. GRCh37 (hg19) VCF-style: chr3-10106111-A-T.
Other names: c.2019A>T, p.Glu673Asp (NM_001319984.2, NM_001374254.1, NM_033084.6); c.1908A>T, p.Glu636Asp (NM_001374253.1); short protein forms E636D, E673D.
Identifiers: ClinVar variation 1692039 (VCV001692039.1), dbSNP rs2125034174, ClinGen allele CA351732660.

ClinVar aggregate classification (germline): Uncertain significance (1 of 4 stars; one submission).

Conditions:
Fanconi anemia (FA). Also called: Fanconi's anemia. Identifiers: Orphanet 84, MedGen C0015625, MeSH D005199, MONDO:0019391.

Submission:

Sema4
Classification: Uncertain significance for Fanconi anemia. Last evaluated: 2021-09-23. Review status: criteria provided, single submitter. Criteria: Sema4 Curation Guidelines. Collection method: curation. Allele origin: germline.
Comment: The FANCD2 c.2019A>T (p.E673D) variant has not been reported in the literature to our knowledge. It was not observed in the large and broad cohorts of the Genome Aggregation Database (PMID: 32461654). The variant has not been reported in ClinVar. In silico tools suggest the impact of the variant on protein function is benign, though these predictions have not been confirmed by functional studies. The evidence is insufficient to meet ACMG/AMP criteria for classifying the variant as benign or pathogenic. Thus, the clinical significance of this variant is currently uncertain.